The following is an entry in ClinVar:

ClinVar aggregate classification (germline): Uncertain significance (1 of 4 stars; one submission).

Allele frequency attached by ClinVar (database versions not stated): ExAC 0.00002; gnomAD 0.00006; ESP Exome Variant Server 0.00015.
gnomAD v4.1: 13 of 1,612,890 alleles (0.00081%); highest among the groups gnomAD compares: African/African-American, 0.017%; no homozygotes.

Submission:

Labcorp Genetics (formerly Invitae), Labcorp
Classification: Uncertain significance. Last evaluated: 2025-10-18. Review status: criteria provided, single submitter. Criteria: Invitae Variant Classification Sherloc (09022015). Collection method: clinical testing. Allele origin: germline.
Comment: This sequence change replaces glutamic acid, which is acidic and polar, with aspartic acid, which is acidic and polar, at codon 1907 of the FAT4 protein (p.Glu1907Asp). This variant is present in population databases (rs145529167, gnomAD 0.008%). This variant has not been reported in the literature in individuals affected with FAT4-related conditions. ClinVar contains an entry for this variant (Variation ID: 1896302). Invitae Evidence Modeling of protein sequence and biophysical properties (such as structural, functional, and spatial information, amino acid conservation, physicochemical variation, residue mobility, and thermodynamic stability) indicates that this missense variant is expected to disrupt FAT4 protein function with a positive predictive value of 95%. In summary, the available evidence is currently insufficient to determine the role of this variant in disease. Therefore, it has been classified as a Variant of Uncertain Significance.

NM_001291303.3(FAT4):c.5721A>C (p.Glu1907Asp)

Gene: FAT4 (FAT atypical cadherin 4; plus strand). Cytogenetic location: 4q28.1.
Variant type: single nucleotide variant.
Coding change: c.5721A>C on transcript NM_001291303.3 (MANE Select); coding-DNA position 5721, A replaced by C.
Protein change: p.Glu1907Asp; replaces glutamic acid 1907 with aspartic acid.
Molecular consequence: missense variant.
Genome position (GRCh38, 1-based): chr4:125,408,595, A>C. VCF-style: chr4-125408595-A-C. GRCh37 (hg19) VCF-style: chr4-126329750-A-C.
Other names: c.5721A>C, p.Glu1907Asp (NM_001291285.3, NM_024582.6); short protein forms E1907D.
Identifiers: ClinVar variation 1896302 (VCV001896302.5), dbSNP rs145529167, ClinGen allele CA3072780.